The following is an entry in ClinVar:

ClinVar aggregate classification (germline): Uncertain significance (1 of 4 stars; one submission).

Allele frequency attached by ClinVar (database versions not stated): ExAC 0.00001; gnomAD 0.00001; gnomAD exomes 0.00001; TOPMed 0.00001.
gnomAD v4.1: 10 of 1,613,992 alleles (0.00062%); highest among the groups gnomAD compares: South Asian, 0.0011%; no homozygotes.

Submission:

Ambry Genetics
Classification: Uncertain significance. Last evaluated: 2023-03-06. Review status: criteria provided, single submitter. Criteria: Ambry Variant Classification Scheme 2023. Collection method: clinical testing. Allele origin: germline.
Comment: The p.R255C variant (also known as c.763C>T), located in coding exon 1 of the PALLD gene, results from a C to T substitution at nucleotide position 763. The arginine at codon 255 is replaced by cysteine, an amino acid with highly dissimilar properties. This amino acid position is conserved. In addition, this alteration is predicted to be tolerated by in silico analysis. Since supporting evidence is limited at this time, the clinical significance of this alteration remains unclear.

NM_001166108.2(PALLD):c.763C>T (p.Arg255Cys)

Gene: PALLD (palladin, cytoskeletal associated protein; plus strand). Cytogenetic location: 4q32.3.
Variant type: single nucleotide variant.
Coding change: c.763C>T on transcript NM_001166108.2 (MANE Select); coding-DNA position 763, C replaced by T.
Protein change: p.Arg255Cys; replaces arginine 255 with cysteine.
Molecular consequence: missense variant.
Genome position (GRCh38, 1-based): chr4:168,512,267, C>T. VCF-style: chr4-168512267-C-T. GRCh37 (hg19) VCF-style: chr4-169433418-C-T.
Other names: c.763C>T, p.Arg255Cys (NM_016081.4); short protein forms R255C.
Identifiers: ClinVar variation 2447360 (VCV002447360.2), dbSNP rs778216620, ClinGen allele CA3135430.